The following is an entry in ClinVar:

ClinVar aggregate classification (germline): Uncertain significance (1 of 4 stars; one submission).

Submission:

Labcorp Genetics (formerly Invitae), Labcorp
Classification: Uncertain significance. Last evaluated: 2022-12-25. Review status: criteria provided, single submitter. Criteria: Invitae Variant Classification Sherloc (09022015). Collection method: clinical testing. Allele origin: germline.
Comment: This sequence change replaces histidine, which is basic and polar, with proline, which is neutral and non-polar, at codon 292 of the FKBP10 protein (p.His292Pro). This variant is not present in population databases (gnomAD no frequency). This missense change has been observed in individual(s) with clinical features of osteogenesis imperfecta (Invitae). Advanced modeling of protein sequence and biophysical properties (such as structural, functional, and spatial information, amino acid conservation, physicochemical variation, residue mobility, and thermodynamic stability) has been performed at Invitae for this missense variant, however the output from this modeling did not meet the statistical confidence thresholds required to predict the impact of this variant on FKBP10 protein function. In summary, the available evidence is currently insufficient to determine the role of this variant in disease. Therefore, it has been classified as a Variant of Uncertain Significance.

NM_021939.4(FKBP10):c.875A>C (p.His292Pro)

Gene: FKBP10 (FKBP prolyl isomerase 10; plus strand). Cytogenetic location: 17q21.2.
Variant type: single nucleotide variant.
Coding change: c.875A>C on transcript NM_021939.4 (MANE Select); coding-DNA position 875, A replaced by C.
Protein change: p.His292Pro; replaces histidine 292 with proline.
Molecular consequence: missense variant.
Genome position (GRCh38, 1-based): chr17:41,819,357, A>C. VCF-style: chr17-41819357-A-C. GRCh37 (hg19) VCF-style: chr17-39975609-A-C.
Other names: short protein forms H292P.
Identifiers: ClinVar variation 2836907 (VCV002836907.3), dbSNP rs2544436728, ClinGen allele CA399516551.